The following is an entry in ClinVar:

ClinVar aggregate classification (germline): Benign (1 of 4 stars; one submission).

Allele frequency attached by ClinVar (database versions not stated): 1000 Genomes Project 0.01837; 1000 Genomes Project 30x 0.01889; TOPMed 0.03166; gnomAD 0.03468; gnomAD exomes 0.04304.

Submission:

GeneDx
Classification: Benign. Last evaluated: 2018-06-19. Review status: criteria provided, single submitter. Criteria: GeneDx Variant Classification (06012015). Collection method: clinical testing. Allele origin: germline. Affected: yes.
Comment: This variant is considered likely benign or benign based on one or more of the following criteria: it is a conservative change, it occurs at a poorly conserved position in the protein, it is predicted to be benign by multiple in silico algorithms, and/or has population frequency not consistent with disease.

NM_002860.4(ALDH18A1):c.1605+120C>G

Gene: ALDH18A1 (aldehyde dehydrogenase 18 family member A1; minus strand). Cytogenetic location: 10q24.1.
Variant type: single nucleotide variant.
Coding change: c.1605+120C>G on transcript NM_002860.4 (MANE Select); 120 bases into the intron after coding-DNA position 1605, C replaced by G.
Molecular consequence: intron variant.
Genome position (GRCh38, 1-based): chr10:95,616,357, G>C on the plus strand (C>G on the coding strand, the complement: ALDH18A1 is on the minus strand). VCF-style: chr10-95616357-G-C. GRCh37 (hg19) VCF-style: chr10-97376114-G-C.
Other names: c.969+120C>G (NM_001323419.2); c.1272+120C>G (NM_001323412.2, NM_001323416.2); c.1500+120C>G (NM_001323417.2); c.1599+120C>G (NM_001017423.2, NM_001323415.2); c.1266+120C>G (NM_001323418.2); c.1605+120C>G (NM_001323413.2, NM_001323414.2).
Identifiers: ClinVar variation 678711 (VCV000678711.1), dbSNP rs118188431, ClinGen allele CA211789602.